The following is an entry in ClinVar:

ClinVar aggregate classification (germline): Uncertain significance (1 of 4 stars; one submission).

Submission:

Labcorp Genetics (formerly Invitae), Labcorp
Classification: Uncertain significance. Last evaluated: 2021-11-15. Review status: criteria provided, single submitter. Criteria: Invitae Variant Classification Sherloc (09022015). Collection method: clinical testing. Allele origin: germline.
Comment: In summary, the available evidence is currently insufficient to determine the role of this variant in disease. Therefore, it has been classified as a Variant of Uncertain Significance. Algorithms developed to predict the effect of missense changes on protein structure and function are either unavailable or do not agree on the potential impact of this missense change (SIFT: "Tolerated"; PolyPhen-2: "Probably Damaging"; Align-GVGD: "Class C0"). This variant has not been reported in the literature in individuals affected with FGFR3-related conditions. This variant is not present in population databases (gnomAD no frequency). This sequence change replaces arginine, which is basic and polar, with proline, which is neutral and non-polar, at codon 750 of the FGFR3 protein (p.Arg750Pro).

NM_000142.5(FGFR3):c.2249G>C (p.Arg750Pro)

Gene: FGFR3 (fibroblast growth factor receptor 3; plus strand). Cytogenetic location: 4p16.3.
Variant type: single nucleotide variant.
Coding change: c.2249G>C on transcript NM_000142.5 (MANE Select); coding-DNA position 2249, G replaced by C.
Protein change: p.Arg750Pro; replaces arginine 750 with proline.
Molecular consequence: missense variant. On other transcripts: non-coding transcript variant (1), synonymous variant (1).
Genome position (GRCh38, 1-based): chr4:1,806,909, G>C. VCF-style: chr4-1806909-G-C. GRCh37 (hg19) VCF-style: chr4-1808636-G-C.
Other names: c.1913G>C, p.Arg638Pro (NM_022965.4); c.2255G>C, p.Arg752Pro (NM_001163213.2); c.2252G>C, p.Arg751Pro (NM_001354809.2); c.2181G>C, p.Pro727= (NM_001354810.2); short protein forms R638P, R750P, R751P, R752P.
Identifiers: ClinVar variation 1680133 (VCV001680133.6), dbSNP rs762888506, ClinGen allele CA355985707.